The following is an entry in ClinVar:

NM_006230.4(POLD2):c.1247G>C (p.Arg416Pro)

Gene: POLD2 (DNA polymerase delta 2, accessory subunit; minus strand). Cytogenetic location: 7p13.
Variant type: single nucleotide variant.
Coding change: c.1247G>C on transcript NM_006230.4 (MANE Select); coding-DNA position 1247, G replaced by C.
Protein change: p.Arg416Pro; replaces arginine 416 with proline.
Molecular consequence: missense variant.
Genome position (GRCh38, 1-based): chr7:44,115,297, C>G on the plus strand (G>C on the coding strand, the complement: POLD2 is on the minus strand). VCF-style: chr7-44115297-C-G. GRCh37 (hg19) VCF-style: chr7-44154896-C-G.
Other names: c.1247G>C, p.Arg416Pro (NM_001127218.3, NM_001256879.2); short protein forms R416P.
Identifiers: ClinVar variation 3698270 (VCV003698270.2).

ClinVar aggregate classification (germline): Uncertain significance (1 of 4 stars; one submission).

Submission:

Labcorp Genetics (formerly Invitae), Labcorp
Classification: Uncertain significance. Last evaluated: 2024-05-24. Review status: criteria provided, single submitter. Criteria: Invitae Variant Classification Sherloc (09022015). Collection method: clinical testing. Allele origin: germline.
Comment: This sequence change replaces arginine, which is basic and polar, with proline, which is neutral and non-polar, at codon 451 of the POLD2 protein (p.Arg451Pro). This variant is present in population databases (no rsID available, gnomAD 0.006%). This variant has not been reported in the literature in individuals affected with POLD2-related conditions. Experimental studies and prediction algorithms are not available or were not evaluated, and the functional significance of this variant is currently unknown. In summary, the available evidence is currently insufficient to determine the role of this variant in disease. Therefore, it has been classified as a Variant of Uncertain Significance.